The following is an entry in ClinVar:

NC_000005.10:g.112707435G>A

Gene: APC (APC regulator of Wnt signaling pathway; plus strand). Cytogenetic location: 5q22.2.
Variant type: single nucleotide variant.
Genome position: GRCh38 VCF-style: chr5-112707435-G-A. GRCh37 (hg19) VCF-style: chr5-112043132-G-A.
Identifiers: ClinVar variation 1929196 (VCV001929196.6), dbSNP rs781399686, ClinGen allele CA1573442293.

ClinVar aggregate classification (germline): Uncertain significance (1 of 4 stars; one submission).

Conditions:
Familial adenomatous polyposis 1 (FAP1). Also called: FAMILIAL ADENOMATOUS POLYPOSIS 1, ATTENUATED; POLYPOSIS, ADENOMATOUS INTESTINAL. Identifiers: MedGen C2713442, MONDO:0021056, OMIM 175100. Disease mechanism: loss of function.

Allele frequency attached by ClinVar (database versions not stated): TOPMed below 0.00001.

Submission:

Labcorp Genetics (formerly Invitae), Labcorp
Classification: Uncertain significance for Familial adenomatous polyposis 1. Last evaluated: 2022-06-19. Review status: criteria provided, single submitter. Criteria: Invitae Variant Classification Sherloc (09022015). Collection method: clinical testing. Allele origin: germline.
Comment: In summary, the available evidence is currently insufficient to determine the role of this variant in disease. Therefore, it has been classified as a Variant of Uncertain Significance. This variant has not been reported in the literature in individuals affected with APC-related conditions. Experimental studies and prediction algorithms are not available or were not evaluated, and the functional significance of this variant is currently unknown. This variant occurs in a non-coding region of the APC gene. It does not change the encoded amino acid sequence of the APC protein. This variant is not present in population databases (gnomAD no frequency).